The following is an entry in ClinVar:

NM_019032.6(ADAMTSL4):c.239C>T (p.Pro80Leu)

Genes: ADAMTSL4 (ADAMTS like 4; plus strand), ADAMTSL4-AS2 (ADAMTSL4 antisense RNA 2; minus strand). Cytogenetic location: 1q21.2.
Variant type: single nucleotide variant.
Coding change: c.239C>T on transcript NM_019032.6 (MANE Select); coding-DNA position 239, C replaced by T.
Protein change: p.Pro80Leu; replaces proline 80 with leucine.
Molecular consequence: missense variant.
Genome position (GRCh38, 1-based): chr1:150,553,058, C>T. VCF-style: chr1-150553058-C-T. GRCh37 (hg19) VCF-style: chr1-150525534-C-T.
Other names: c.239C>T, p.Pro80Leu (NM_001288607.2, NM_001288608.2, NM_001378596.1 and 1 more transcripts); short protein forms P80L.
Identifiers: ClinVar variation 1427303 (VCV001427303.6), dbSNP rs146377111, ClinGen allele CA1077908.
Genomic context (GRCh38, chr1:150,553,058, plus strand): 5'-GCGGGGTGGGGGTGCAGCGCAGGAGCCGGACATGTCAGCTCCCTACAGTGCAGCTCCACC[C>T]GAGTCTGCCCCTCCCTCCCCGGCCCCCAAGACATCCAGAAGCCCTCCTCCCCCGGGGCCA-3'
Protein context (NP_061905.2, residues 70-90): TCQLPTVQLH[Pro80Leu]SLPLPPRPPR

ClinVar aggregate classification (germline): Uncertain significance. Review status: criteria provided, multiple submitters, no conflicts (2 of 4 stars). 2 submissions from 2 submitters: Uncertain significance (2). Last evaluated 2024-10-24.

Allele frequency attached by ClinVar (database versions not stated): gnomAD 0.00001; TOPMed 0.00001; gnomAD exomes 0.00002 and 0.00003; ExAC 0.00004; ESP Exome Variant Server 0.00008.
gnomAD v4.1: 33 of 1,613,190 alleles (0.002%); highest among the groups gnomAD compares: South Asian, 0.0044%; no homozygotes.

Submissions (2):

Labcorp Genetics (formerly Invitae), Labcorp
Classification: Uncertain significance. Last evaluated: 2024-10-24. Review status: criteria provided, single submitter. Criteria: Invitae Variant Classification Sherloc (09022015). Collection method: clinical testing. Allele origin: germline.
Comment: This sequence change replaces proline, which is neutral and non-polar, with leucine, which is neutral and non-polar, at codon 80 of the ADAMTSL4 protein (p.Pro80Leu). This variant is present in population databases (rs146377111, gnomAD 0.006%). This variant has not been reported in the literature in individuals affected with ADAMTSL4-related conditions. ClinVar contains an entry for this variant (Variation ID: 1427303). Invitae Evidence Modeling of protein sequence and biophysical properties (such as structural, functional, and spatial information, amino acid conservation, physicochemical variation, residue mobility, and thermodynamic stability) indicates that this missense variant is not expected to disrupt ADAMTSL4 protein function with a negative predictive value of 80%. In summary, the available evidence is currently insufficient to determine the role of this variant in disease. Therefore, it has been classified as a Variant of Uncertain Significance.

Blueprint Genetics
Classification: Uncertain significance. Last evaluated: 2024-06-10. Review status: criteria provided, single submitter. Criteria: ACMG Guidelines, 2015. Collection method: clinical testing. Allele origin: germline.